The following is an entry in ClinVar:

NM_007294.4(BRCA1):c.4836G>T (p.Gln1612His)

Gene: BRCA1 (BRCA1 DNA repair associated; minus strand). Cytogenetic location: 17q21.31.
Variant type: single nucleotide variant.
Coding change: c.4836G>T on transcript NM_007294.4 (MANE Select); coding-DNA position 4836, G replaced by T.
Protein change: p.Gln1612His; replaces glutamine 1612 with histidine.
Molecular consequence: missense variant. On other transcripts: non-coding transcript variant (1).
Genome position (GRCh38, 1-based): chr17:43,071,078, C>A on the plus strand (G>T on the coding strand, the complement: BRCA1 is on the minus strand). VCF-style: chr17-43071078-C-A. GRCh37 (hg19) VCF-style: chr17-41223095-C-A.
Other names: c.4623G>T, p.Gln1541His (NM_001407571.1, NM_001407894.1, NM_001407895.1 and 12 more transcripts); c.4902G>T, p.Gln1634His (NM_001407581.1, NM_001407582.1); c.4899G>T, p.Gln1633His (NM_001407583.1, NM_001407585.1, NM_001407587.1 and 1 more transcripts); c.4896G>T, p.Gln1632His (NM_001407590.1, NM_001407591.1); c.4836G>T, p.Gln1612His (NM_001407593.1, NM_001407594.1, NM_001407596.1 and 8 more transcripts); c.4833G>T, p.Gln1611His (NM_001407610.1, NM_001407611.1, NM_001407612.1 and 17 more transcripts); c.4830G>T, p.Gln1610His (NM_001407627.1, NM_001407628.1, NM_001407629.1 and 14 more transcripts); c.4827G>T, p.Gln1609His (NM_001407644.1, NM_001407645.1); and 70 more; short protein forms Q1315H, Q1443H, Q1485H, Q1540H, Q1542H, Q1564H, Q1571H, Q1607H.
Identifiers: ClinVar variation 2099260 (VCV002099260.4), dbSNP rs747688901, ClinGen allele CA053308.

ClinVar aggregate classification (germline): Uncertain significance (1 of 4 stars; one submission).

Conditions:
Hereditary breast ovarian cancer syndrome. Also called: Hereditary breast and/or ovarian cancer syndrome; Hereditary breast and ovarian cancer syndrome; Hereditary breast and ovarian cancer; Hereditary breast and ovarian cancer syndrome (HBOC); Breast and ovarian cancer; BRCA1- and BRCA2-Associated Hereditary Breast and Ovarian Cancer. Identifiers: Orphanet 145, MedGen C0677776, MeSH D061325, MONDO:0003582. Disease mechanism: loss of function.

Allele frequency attached by ClinVar (database versions not stated): ExAC 0.00001.
gnomAD v4.1: 1 of 1,614,142 alleles (0.000062%); highest among the groups gnomAD compares: Non-Finnish European, 0.000085%; no homozygotes.

Submission:

Labcorp Genetics (formerly Invitae), Labcorp
Classification: Uncertain significance for Hereditary breast ovarian cancer syndrome. Last evaluated: 2024-06-10. Review status: criteria provided, single submitter. Criteria: Invitae Variant Classification Sherloc (09022015). Collection method: clinical testing. Allele origin: germline.
Comment: This sequence change replaces glutamine, which is neutral and polar, with histidine, which is basic and polar, at codon 1612 of the BRCA1 protein (p.Gln1612His). The frequency data for this variant in the population databases is considered unreliable, as metrics indicate poor data quality at this position in the gnomAD database. This variant has not been reported in the literature in individuals affected with BRCA1-related conditions. ClinVar contains an entry for this variant (Variation ID: 2099260). Advanced modeling of protein sequence and biophysical properties (such as structural, functional, and spatial information, amino acid conservation, physicochemical variation, residue mobility, and thermodynamic stability) performed at Invitae indicates that this missense variant is not expected to disrupt BRCA1 protein function with a negative predictive value of 95%. In summary, the available evidence is currently insufficient to determine the role of this variant in disease. Therefore, it has been classified as a Variant of Uncertain Significance.